The following is an entry in ClinVar:

NM_148919.4(PSMB8):c.633G>A (p.Met211Ile)

Gene: PSMB8 (proteasome 20S subunit beta 8; minus strand). Cytogenetic location: 6p21.32.
Variant type: single nucleotide variant.
Coding change: c.633G>A on transcript NM_148919.4 (MANE Select); coding-DNA position 633, G replaced by A.
Protein change: p.Met211Ile; replaces methionine 211 with isoleucine.
Molecular consequence: missense variant.
Genome position (GRCh38, 1-based): chr6:32,841,640, C>T on the plus strand (G>A on the coding strand, the complement: PSMB8 is on the minus strand). VCF-style: chr6-32841640-C-T. GRCh37 (hg19) VCF-style: chr6-32809417-C-T.
Other names: c.621G>A, p.Met207Ile (LRG_1328t2, NM_004159.5); c.633G>A, p.Met211Ile (LRG_1328t1); short protein forms M211I, M207I.
Identifiers: ClinVar variation 569157 (VCV000569157.7), dbSNP rs137937891, ClinGen allele CA3746327.
Genomic context (GRCh38, chr6:32,841,640, plus strand): 5'-AGCCCTGCGGCCAAGGTCATAGGCCTCTTCAGGGCTAAGATTAGGCCGATAGCCACTGTC[C>T]ATGACCCCGTAGGCATAAGTGTTCCCACTACCCGTGGAGAACATATTTCCTGAGAGCCGA-3'
Protein context (NP_683720.2, residues 201-221): GSGNTYAYGV[Met211Ile]DSGYRPNLSP

ClinVar aggregate classification (germline): Uncertain significance. Review status: criteria provided, multiple submitters, no conflicts (2 of 4 stars). 2 submissions from 2 submitters: Uncertain significance (2). Last evaluated 2026-01-23.

Conditions:
Proteasome-associated autoinflammatory syndrome 1 (PRAAS1). Also called: JOINT CONTRACTURES, MUSCULAR ATROPHY, MICROCYTIC ANEMIA, AND PANNICULITIS-INDUCED LIPODYSTROPHY; JMP SYNDROME; Nakajo syndrome; AUTOINFLAMMATION, LIPODYSTROPHY, AND DERMATOSIS SYNDROME; NAKAJO-NISHIMURA SYNDROME; CHRONIC ATYPICAL NEUTROPHILIC DERMATOSIS WITH LIPODYSTROPHY AND ELEVATED TEMPERATURE SYNDROME. Identifiers: Orphanet 2615, Orphanet 324977, Orphanet 324999, Orphanet 325004, MedGen C4746851, MONDO:0054698, OMIM 256040.

Allele frequency attached by ClinVar (database versions not stated): gnomAD exomes 0.00002 and 0.00009; gnomAD 0.00004 and 0.00005; TOPMed 0.00006; ExAC 0.00010; ESP Exome Variant Server 0.00012.
gnomAD v4.1: 43 of 1,612,914 alleles (0.0027%); highest among the groups gnomAD compares: Middle Eastern, 0.033%; no homozygotes.

Submissions (2):

Women's Health and Genetics/Laboratory Corporation of America, LabCorp
Classification: Uncertain significance. Last evaluated: 2026-01-23. Review status: criteria provided, single submitter. Criteria: LabCorp Variant Classification Summary - May 2015. Collection method: clinical testing. Allele origin: germline.

Labcorp Genetics (formerly Invitae), Labcorp
Classification: Uncertain significance for Proteosome-associated autoinflammatory syndrome. Last evaluated: 2022-08-23. Review status: criteria provided, single submitter. Criteria: Invitae Variant Classification Sherloc (09022015). Collection method: clinical testing. Allele origin: germline.
Comment: This sequence change replaces methionine, which is neutral and non-polar, with isoleucine, which is neutral and non-polar, at codon 211 of the PSMB8 protein (p.Met211Ile). This variant is present in population databases (rs137937891, gnomAD 0.04%). This variant has not been reported in the literature in individuals affected with PSMB8-related conditions. ClinVar contains an entry for this variant (Variation ID: 569157). Algorithms developed to predict the effect of missense changes on protein structure and function (SIFT, PolyPhen-2, Align-GVGD) all suggest that this variant is likely to be tolerated. Algorithms developed to predict the effect of sequence changes on RNA splicing suggest that this variant may create or strengthen a splice site. In summary, the available evidence is currently insufficient to determine the role of this variant in disease. Therefore, it has been classified as a Variant of Uncertain Significance.